The following is an entry in ClinVar:

ClinVar aggregate classification (germline): Uncertain significance (1 of 4 stars; one submission).

Conditions:
Progressive myoclonic epilepsy. Also called: Myoclonus epilepsy; Progressive myoclonus epilepsy; Familial progressive myoclonic epilepsy; Myoclonic Epilepsies, Progressive. Identifiers: Orphanet 308, Orphanet 98261, MedGen C0751778, MONDO:0020074.

Allele frequency attached by ClinVar (database versions not stated): TOPMed below 0.00001.

Submission:

Labcorp Genetics (formerly Invitae), Labcorp
Classification: Uncertain significance for Progressive myoclonic epilepsy. Last evaluated: 2020-12-09. Review status: criteria provided, single submitter. Criteria: Invitae Variant Classification Sherloc (09022015). Collection method: clinical testing. Allele origin: germline.
Comment: Experimental studies and prediction algorithms are not available or were not evaluated, and the functional significance of this variant is currently unknown. This sequence change disrupts the translational stop signal of the CSTB mRNA. It is expected to extend the length of the CSTB protein by 2 additional amino acid residues. This variant is not present in population databases (ExAC no frequency). This variant has not been reported in the literature in individuals with CSTB-related conditions. In summary, the available evidence is currently insufficient to determine the role of this variant in disease. Therefore, it has been classified as a Variant of Uncertain Significance.

NM_000100.4(CSTB):c.295T>C (p.Ter99Arg)

Gene: CSTB (cystatin B; minus strand). Cytogenetic location: 21q22.3.
Variant type: single nucleotide variant.
Coding change: c.295T>C on transcript NM_000100.4 (MANE Select); coding-DNA position 295, T replaced by C.
Protein change: p.Ter99Arg.
Molecular consequence: stop lost.
Genome position (GRCh38, 1-based): chr21:43,774,204, A>G on the plus strand (T>C on the coding strand, the complement: CSTB is on the minus strand). VCF-style: chr21-43774204-A-G. GRCh37 (hg19) VCF-style: chr21-45194085-A-G.
Identifiers: ClinVar variation 1507113 (VCV001507113.6), dbSNP rs2083998796, ClinGen allele CA410407585.
Genomic context (GRCh38, chr21:43,774,204, plus strand): 5'-GTAGACGGAGGATGACTTTGTCAGTCTTCTGGCTGAAGGGCCTTGTCCAAAGTCAGGATC[A>G]GAAATAGGTCAGCTCATCATGCTTGGCTTTGTTGGTCTGGTAGTTAGATAAGGTCAAGGG-3'